The following is an entry in ClinVar:

ClinVar aggregate classification (germline): Likely benign. Review status: criteria provided, multiple submitters, no conflicts (2 of 4 stars). 2 submissions from 2 submitters: Likely benign (2). Last evaluated 2024-07-10.

Conditions:
Hypertrophic cardiomyopathy. Also called: HYPERTROPHIC MYOCARDIOPATHY. Identifiers: Orphanet 217569, MedGen C0007194, MeSH D002312, MONDO:0005045, HP:0001639.

gnomAD v4.1: 1 of 1,613,812 alleles (0.000062%); highest among the groups gnomAD compares: East Asian, 0.0022%; no homozygotes.

Submissions (2):

All of Us Research Program, National Institutes of Health
Classification: Likely benign for Hypertrophic cardiomyopathy. Last evaluated: 2024-07-10. Review status: criteria provided, single submitter. Criteria: ACMG Guidelines, 2015. Collection method: clinical testing. Allele origin: germline. Inheritance: Autosomal dominant inheritance. Observed: 1 variant allele, 1 heterozygote.
Comment: This study involves interpretation of variants in research participants for the purpose of population health screening. Participant phenotype was not available at the time of variant classification. Additional details can be found in publication PMID: 35346344, PMCID: PMC8962531

Blueprint Genetics
Classification: Likely benign. Last evaluated: 2021-07-16. Review status: criteria provided, single submitter. Criteria: ACMG Guidelines, 2015. Collection method: clinical testing. Allele origin: germline.

NM_000432.4(MYL2):c.198T>C (p.Ile66=)

Gene: MYL2 (myosin light chain 2; minus strand). Cytogenetic location: 12q24.11.
Variant type: single nucleotide variant.
Coding change: c.198T>C on transcript NM_000432.4 (MANE Select); coding-DNA position 198, T replaced by C.
Protein change: p.Ile66=; no amino-acid change (isoleucine 66 retained).
Molecular consequence: synonymous variant.
Genome position (GRCh38, 1-based): chr12:110,914,262, A>G on the plus strand (T>C on the coding strand, the complement: MYL2 is on the minus strand). VCF-style: chr12-110914262-A-G. GRCh37 (hg19) VCF-style: chr12-111352066-A-G.
Other names: c.156T>C, p.Ile52= (NM_001406745.1); c.141T>C, p.Ile47= (NM_001406916.1).
Identifiers: ClinVar variation 3387373 (VCV003387373.2).